The following is an entry in ClinVar:

NM_000027.4(AGA):c.503G>A (p.Trp168Ter)

Gene: AGA (aspartylglucosaminidase; minus strand). Cytogenetic location: 4q34.3.
Variant type: single nucleotide variant.
Coding change: c.503G>A on transcript NM_000027.4 (MANE Select); coding-DNA position 503, G replaced by A.
Protein change: p.Trp168Ter; replaces tryptophan 168 with a stop codon.
Molecular consequence: nonsense. On other transcripts: non-coding transcript variant (1).
Genome position (GRCh38, 1-based): chr4:177,438,749, C>T on the plus strand (G>A on the coding strand, the complement: AGA is on the minus strand). VCF-style: chr4-177438749-C-T. GRCh37 (hg19) VCF-style: chr4-178359903-C-T.
Other names: c.503G>A, p.Trp168Ter (NM_001171988.2); short protein forms W168*.
Identifiers: ClinVar variation 55949 (VCV000055949.17), dbSNP rs386833430, ClinGen allele CA144027.

ClinVar aggregate classification (germline): Pathogenic/Likely pathogenic. Review status: criteria provided, multiple submitters, no conflicts (2 of 4 stars). 9 submissions from 9 submitters: Pathogenic (4); Likely pathogenic (2). 3 of the submissions do not count toward it. Last evaluated 2026-01-14.

Conditions:
Inborn genetic diseases. Identifiers: MedGen C0950123, MeSH D030342.
AGA-related disorder. Also called: AGA-related condition.
Aspartylglucosaminuria (AGU). Also called: GLYCOASPARAGINASE; GLYCOSYLASPARAGINASE DEFICIENCY; Aspartylglucos-aminuria; Aspartylglucos-amidase (AGA) deficiency; AGA DEFICIENCY. Identifiers: Orphanet 93, MedGen C0268225, MONDO:0008830, OMIM 208400, HP:0012068.

Allele frequency attached by ClinVar (database versions not stated): ExAC 0.00001; gnomAD exomes below 0.00001 and 0.00002.

Submissions (9):

Natera, Inc.
Classification: Pathogenic for Aspartylglucosaminuria. Last evaluated: 2026-01-14. Review status: criteria provided, single submitter. Criteria: Natera Variant Classification Schema (03/2026). Collection method: clinical testing. Allele origin: germline.
Comment: The c.503G>A variant in AGA is a nonsense variant predicted to introduce a stop codon at amino acid 168. This variant is expected to result in nonsense mediated decay, truncation, or a dysfunctional protein product. This variant is rare in the general population with a frequency below the threshold expected for the associated phenotype(s). This variant has been observed in one or more individuals affected with the associated recessive disease, as either homozygous or compound heterozygous with a second variant (PMID: 36101820). Given the available evidence, this variant is classified as Pathogenic.

Labcorp Genetics (formerly Invitae), Labcorp
Classification: Pathogenic for Aspartylglucosaminuria. Last evaluated: 2025-07-27. Review status: criteria provided, single submitter. Criteria: Invitae Variant Classification Sherloc (09022015). Collection method: clinical testing. Allele origin: germline.
Comment: This sequence change creates a premature translational stop signal (p.Trp168*) in the AGA gene. It is expected to result in an absent or disrupted protein product. Loss-of-function variants in AGA are known to be pathogenic (PMID: 7627186, 11309371). This variant is present in population databases (rs386833430, gnomAD 0.004%). This premature translational stop signal has been observed in individual(s) with aspartylglucosaminuria (PMID: 11309371, 29247835). In at least one individual the data is consistent with being in trans (on the opposite chromosome) from a pathogenic variant. ClinVar contains an entry for this variant (Variation ID: 55949). For these reasons, this variant has been classified as Pathogenic.

Laboratorio de Genetica e Diagnostico Molecular, Hospital Israelita Albert Einstein
Classification: Pathogenic for Aspartylglucosaminuria. Last evaluated: 2024-09-11. Review status: criteria provided, single submitter. Criteria: ACMG Guidelines, 2015. Collection method: clinical testing. Allele origin: germline. Affected: yes.
Comment: ACMG classification criteria: PVS1 very strong, PS3 supporting, PM2 supporting, PM3 moderate

Blueprint Genetics
Classification: Likely pathogenic for AGA-related disorders. Last evaluated: 2023-03-06. Review status: criteria provided, single submitter. Criteria: ACMG Guidelines, 2015. Collection method: clinical testing. Allele origin: germline. Affected: yes. Observed: 3 variant alleles.

Women's Health and Genetics/Laboratory Corporation of America, LabCorp
Classification: Pathogenic for Aspartylglucosaminuria. Last evaluated: 2021-11-05. Review status: criteria provided, single submitter. Criteria: LabCorp Variant Classification Summary - May 2015. Collection method: clinical testing. Allele origin: germline.
Comment: Variant summary: AGA c.503G>A (p.Trp168X) results in a premature termination codon, predicted to cause a truncation of the encoded protein or absence of the protein due to nonsense mediated decay (NMD), which are commonly known mechanisms for disease. Truncations downstream of this position have been classified as pathogenic by our laboratory. The variant allele was found at a frequency of 1.6e-05 in 250860 control chromosomes (gnomAD). c.503G>A has been reported in the literature in at least two individuals affected with Aspartylglucosaminuria (examples: Saarela_2001, Banning_2018). Experimental evidence evaluating an impact on protein function demonstrated the variant confers minimal enzymatic activity (Saarela_2001, Banning_2018). No clinical diagnostic laboratories have submitted clinical-significance assessments for this variant to ClinVar after 2014. Based on the evidence outlined above, the variant was classified as pathogenic.

Ambry Genetics
Classification: Likely pathogenic for Inborn genetic diseases. Last evaluated: 2021-09-14. Review status: criteria provided, single submitter. Criteria: Ambry Variant Classification Scheme 2023. Collection method: clinical testing. Allele origin: germline.
Comment: The c.503G>A (p.W168*) alteration, located in exon 4 (coding exon 4) of the AGA gene, consists of a G to A substitution at nucleotide position 503. This changes the amino acid from a tryptophan (W) to a stop codon at amino acid position 168. This alteration is expected to result in loss of function by premature protein truncation or nonsense-mediated mRNA decay. This variant has been detected in the heterozygous and compound heterozygous state in individuals with aspartylglucosaminuria (Saarela, 2001; Banning, 2018). In vitro studies have shown that this alteration impacts AGA protein function (Saarela, 2001). Based on the available evidence, this alteration is classified as likely pathogenic.

Zotz-Klimas Genetics Lab, MVZ Zotz Klimas
Classification: Pathogenic for Aspartylglucosaminuria. Last evaluated: 2023-11-24. Review status: no assertion criteria provided. Collection method: clinical testing. Allele origin: germline. Affected: yes. Not counted in ClinVar's aggregate classification.

Counsyl
Classification: Likely pathogenic for Aspartylglycosaminuria. Last evaluated: 2014-05-01. Review status: no assertion criteria provided. Collection method: literature only. Allele origin: unknown. Inheritance: Autosomal recessive inheritance. Not counted in ClinVar's aggregate classification.

Juha Muilu Group; Institute for Molecular Medicine Finland (FIMM)
Classification: Likely pathogenic for Aspartylglycosaminuria. Review status: no assertion criteria provided. Collection method: not provided. Allele origin: unknown. Not counted in ClinVar's aggregate classification.
Comment: FinDis database variant: This variant was not found or characterized by our laboratory, data were collected from public sources: see reference
ClinVar note: Converted during submission from probable-pathogenic to Likely pathogenic.

Literature cited by the submitters: PubMed 36101820 (cited by Natera, Inc.); PubMed 7627186 (cited by Labcorp Genetics (formerly Invitae), Labcorp); PubMed 11309371 (cited by 4 submitters); PubMed 29247835 (cited by 3 submitters).